The following is an entry in ClinVar:

ClinVar aggregate classification (germline): Uncertain significance (1 of 4 stars; one submission).

gnomAD v4.1: 18 of 1,612,592 alleles (0.0011%); highest among the groups gnomAD compares: Non-Finnish European, 0.0015%; no homozygotes.

Submission:

Labcorp Genetics (formerly Invitae), Labcorp
Classification: Uncertain significance. Last evaluated: 2026-02-01. Review status: criteria provided, single submitter. Criteria: Invitae Variant Classification Sherloc (09022015). Collection method: clinical testing. Allele origin: germline.
Comment: This sequence change replaces lysine, which is basic and polar, with asparagine, which is neutral and polar, at codon 1450 of the C3 protein (p.Lys1450Asn). This variant also falls at the last nucleotide of exon 35, which is part of the consensus splice site for this exon. This variant is present in population databases (rs763510721, gnomAD 0.002%). This variant has not been reported in the literature in individuals affected with C3-related conditions. An algorithm developed to predict the effect of missense changes on protein structure and function (PolyPhen-2) suggests that this variant is likely to be disruptive. Variants that disrupt the consensus splice site are a relatively common cause of aberrant splicing (PMID: 17576681, 9536098). In summary, the available evidence is currently insufficient to determine the role of this variant in disease. Therefore, it has been classified as a Variant of Uncertain Significance.

Literature cited by the submitters: PubMed 17576681; PubMed 9536098.

NM_000064.4(C3):c.4350G>T (p.Lys1450Asn)

Gene: C3 (complement C3; minus strand). Cytogenetic location: 19p13.3.
Variant type: single nucleotide variant.
Coding change: c.4350G>T on transcript NM_000064.4 (MANE Select); coding-DNA position 4350, G replaced by T.
Protein change: p.Lys1450Asn; replaces lysine 1450 with asparagine.
Molecular consequence: missense variant.
Genome position (GRCh38, 1-based): chr19:6,681,941, C>A on the plus strand (G>T on the coding strand, the complement: C3 is on the minus strand). VCF-style: chr19-6681941-C-A. GRCh37 (hg19) VCF-style: chr19-6681952-C-A.
Other names: short protein forms K1450N.
Identifiers: ClinVar variation 4780782 (VCV004780782.1).